The following is an entry in ClinVar:

NM_001122955.4(BSCL2):c.1345G>A (p.Ala449Thr)

Genes: BSCL2 (BSCL2 lipid droplet biogenesis associated, seipin; minus strand), HNRNPUL2-BSCL2 (HNRNPUL2-BSCL2 readthrough (NMD candidate); minus strand). Cytogenetic location: 11q12.3.
Variant type: single nucleotide variant.
Coding change: c.1345G>A on transcript NM_001122955.4 (MANE Select); coding-DNA position 1345, G replaced by A.
Protein change: p.Ala449Thr; replaces alanine 449 with threonine.
Molecular consequence: missense variant. On other transcripts: non-coding transcript variant (1), 3 prime UTR variant (1).
Genome position (GRCh38, 1-based): chr11:62,690,411, C>T on the plus strand (G>A on the coding strand, the complement: BSCL2 is on the minus strand). VCF-style: chr11-62690411-C-T. GRCh37 (hg19) VCF-style: chr11-62457883-C-T.
Other names: c.*147G>A (NM_001130702.2); c.1351G>A, p.Ala451Thr (NM_001386027.1); c.1345G>A, p.Ala449Thr (NM_001386028.1); c.1153G>A, p.Ala385Thr (NM_032667.6); short protein forms A385T, A451T, A449T.
Identifiers: ClinVar variation 3698721 (VCV003698721.2).
Genomic context (GRCh38, chr11:62,690,411, plus strand): 5'-AGTCTGCCCCTTTTCTTCAGGAACTAGAGCAGGTGGGGCGCTGTCGGAGAGCACCCCCAG[C>T]AGGTTCAGAGCTGCCCAGAGTCTCTAGGACAGGGGCAGAAGCAGAAGCAGGAGCAGGAGC-3'
Protein context (NP_001116427.1, residues 439-459): VLETLGSSEP[Ala449Thr]GGALRQRPTC

ClinVar aggregate classification (germline): Uncertain significance (1 of 4 stars; one submission).

Conditions:
Charcot-Marie-Tooth disease type 2. Also called: Charcot-Marie-Tooth type 2. Identifiers: Orphanet 64746, MedGen C0270914, MONDO:0018993.

gnomAD v4.1: 1 of 1,614,028 alleles (0.000062%); highest among the groups gnomAD compares: African/African-American, 0.0013%; no homozygotes.

Submission:

Labcorp Genetics (formerly Invitae), Labcorp
Classification: Uncertain significance for Charcot-Marie-Tooth disease type 2. Last evaluated: 2024-05-07. Review status: criteria provided, single submitter. Criteria: Invitae Variant Classification Sherloc (09022015). Collection method: clinical testing. Allele origin: germline.
Comment: This sequence change replaces alanine, which is neutral and non-polar, with threonine, which is neutral and polar, at codon 385 of the BSCL2 protein (p.Ala385Thr). This variant is present in population databases (no rsID available, gnomAD 0.007%). This variant has not been reported in the literature in individuals affected with BSCL2-related conditions. An algorithm developed to predict the effect of missense changes on protein structure and function (PolyPhen-2) suggests that this variant is likely to be tolerated. In summary, the available evidence is currently insufficient to determine the role of this variant in disease. Therefore, it has been classified as a Variant of Uncertain Significance.